The following is an entry in ClinVar:

ClinVar aggregate classification (germline): Benign/Likely benign (0 of 4 stars; one submission).

Submission:

GeneDx
Classification: Benign/Likely benign. Last evaluated: 2011-04-30. Review status: no assertion criteria provided. Collection method: clinical testing. Allele origin: not provided. Affected: yes. Observed: 4 variant alleles. Clinical features observed: Developmental delay AND/OR other significant developmental or morphological phenotypes.
Comment: Likely benign (2), Benign (2)

GRCh38/hg38 15q13.3(chr15:31728422-32150818)x3

Genes: CHRNA7 (cholinergic receptor nicotinic alpha 7 subunit), OTUD7A (OTU deubiquitinase 7A; minus strand), LOC125078053 (Sharpr-MPRA regulatory region 11410; plus strand), LOC129390681 (MPRA-validated peak2289 silencer), LOC130056727 (ATAC-STARR-seq lymphoblastoid silent region 6268; plus strand). Cytogenetic location: 15q13.3.
Variant type: copy number gain.
Change: copy number 3 (three copies instead of two) of chr15:31,728,422-32,150,818 (422.4 kb, GRCh38 coordinates, 1-based), cytogenetic band 15q13.3.
Identifiers: ClinVar variation 145832 (VCV000145832.1).